The following is an entry in ClinVar:

NM_153033.5(KCTD7):c.339_340del (p.Asp115fs)

Gene: KCTD7 (potassium channel tetramerization domain containing 7; plus strand). Cytogenetic location: 7q11.21.
Variant type: Deletion.
Coding change: c.339_340del on transcript NM_153033.5 (MANE Select); coding-DNA positions 339 to 340, 2 bases deleted (AG; older notation c.339_340delAG).
Protein change: p.Asp115fs; shifts the reading frame from aspartic acid 115.
Molecular consequence: frameshift variant.
Genome position (GRCh38, 1-based): chr7:66,638,277-66,638,278, AG deleted. VCF-style (leftmost placement, unchanged base first): chr7-66638276-CAG-C. GRCh37 (hg19) VCF-style: chr7-66103263-CAG-C.
Other names: c.339_340del, p.Asp115fs (NM_001167961.2); short protein forms D115fs.
Identifiers: ClinVar variation 1069708 (VCV001069708.10), dbSNP rs2116773782, ClinGen allele CA2499219004.

ClinVar aggregate classification (germline): Pathogenic. Review status: criteria provided, multiple submitters, no conflicts (2 of 4 stars). 2 submissions from 2 submitters: Pathogenic (2). Last evaluated 2025-10-24.

Conditions:
Progressive myoclonic epilepsy type 3. Also called: EPILEPSY, PROGRESSIVE MYOCLONIC, 3, WITHOUT INTRACELLULAR INCLUSIONS; KCTD7-Related Progressive Myoclonic Epilepsy; EPILEPSY, PROGRESSIVE MYOCLONIC, 3, WITH OR WITHOUT INTRACELLULAR INCLUSIONS; CEROID LIPOFUSCINOSIS, NEURONAL, 14. Identifiers: Orphanet 263516, MedGen C2673257, MONDO:0012721, OMIM 611726.

Submissions (2):

Labcorp Genetics (formerly Invitae), Labcorp
Classification: Pathogenic for Progressive myoclonic epilepsy type 3. Last evaluated: 2025-10-24. Review status: criteria provided, single submitter. Criteria: Invitae Variant Classification Sherloc (09022015). Collection method: clinical testing. Allele origin: germline.
Comment: This sequence change creates a premature translational stop signal (p.Asp115Profs*88) in the KCTD7 gene. While this is not anticipated to result in nonsense mediated decay, it is expected to disrupt the last 175 amino acid(s) of the KCTD7 protein. This variant is not present in population databases (gnomAD no frequency). This variant has not been reported in the literature in individuals affected with KCTD7-related conditions. ClinVar contains an entry for this variant (Variation ID: 1069708). This variant disrupts a region of the KCTD7 protein in which other variant(s) (p.Glu142Cysfs*71) have been determined to be pathogenic (internal data). This suggests that this is a clinically significant region of the protein, and that variants that disrupt it are likely to be disease-causing. For these reasons, this variant has been classified as Pathogenic.

3billion
Classification: Pathogenic for Progressive myoclonic epilepsy type 3. Last evaluated: 2024-12-24. Review status: criteria provided, single submitter. Criteria: ACMG Guidelines, 2015. Collection method: clinical testing. Allele origin: germline. Affected: yes.
Comment: The variant is not observed in the gnomAD v4.1.0 dataset. Predicted Consequence/Location: Frameshift: predicted to result in a loss or disruption of normal protein function through nonsense-mediated decay (NMD) or protein truncation. Multiple pathogenic variants are reported downstream of the variant. The variant has been reported to be associated with KCTD7-related disorder (ClinVar ID: VCV001069708). Therefore, this variant is classified as Pathogenic according to the recommendation of ACMG/AMP guideline.